The following is an entry in ClinVar:

NM_006230.4(POLD2):c.306G>A (p.Pro102=)

Gene: POLD2 (DNA polymerase delta 2, accessory subunit; minus strand). Cytogenetic location: 7p13.
Variant type: single nucleotide variant.
Coding change: c.306G>A on transcript NM_006230.4 (MANE Select); coding-DNA position 306, G replaced by A.
Protein change: p.Pro102=; no amino-acid change (proline 102 retained).
Molecular consequence: synonymous variant.
Genome position (GRCh38, 1-based): chr7:44,117,979, C>T on the plus strand (G>A on the coding strand, the complement: POLD2 is on the minus strand). VCF-style: chr7-44117979-C-T. GRCh37 (hg19) VCF-style: chr7-44157578-C-T.
Other names: c.306G>A, p.Pro102= (NM_001127218.3, NM_001256879.2).
Identifiers: ClinVar variation 1975079 (VCV001975079.18), dbSNP rs41561819, ClinGen allele CA4238910.
Genomic context (GRCh38, chr7:44,117,979, plus strand): 5'-CCACTGTGTAGCACCCTGCCTCACCTCCTCGCTGACCTCCCGCAGGATGGAGGGCTGCAG[C>T]GGCATGGCCTTGAACAGAGTGCCCACCACACAGCACTTCTCCTCAGGCTGCAGTTCACAC-3'
Protein context (NP_006221.3, residues 92-112): CVVGTLFKAM[Pro102=]LQPSILREVS

ClinVar aggregate classification (germline): Likely benign. Review status: criteria provided, multiple submitters, no conflicts (2 of 4 stars). 2 submissions from 2 submitters: Likely benign (2). Last evaluated 2025-03-20.

Allele frequency attached by ClinVar (database versions not stated): gnomAD 0.00003; ExAC 0.00004; TOPMed 0.00004; gnomAD exomes 0.00008; ESP Exome Variant Server 0.00015.
gnomAD v4.1: 112 of 1,614,084 alleles (0.0069%); highest among the groups gnomAD compares: Middle Eastern, 0.016%; no homozygotes.

Submissions (2):

Labcorp Genetics (formerly Invitae), Labcorp
Classification: Likely benign. Last evaluated: 2025-03-20. Review status: criteria provided, single submitter. Criteria: Invitae Variant Classification Sherloc (09022015). Collection method: clinical testing. Allele origin: germline.

CeGaT Center for Human Genetics Tuebingen
Classification: Likely benign. Last evaluated: 2025-01-01. Review status: criteria provided, single submitter. Criteria: CeGaT Center For Human Genetics Tuebingen Variant Classification Criteria Version 2. Collection method: clinical testing. Allele origin: germline. Affected: yes. Observed: 1 variant allele.
Comment: POLD2: BP4, BP7